The following is an entry in ClinVar:

NM_052845.4(MMAB):c.644+165G>A

Gene: MMAB (metabolism of cobalamin associated B; minus strand). Cytogenetic location: 12q24.11.
Variant type: single nucleotide variant.
Coding change: c.644+165G>A on transcript NM_052845.4 (MANE Select); 165 bases into the intron after coding-DNA position 644, G replaced by A.
Molecular consequence: intron variant.
Genome position (GRCh38, 1-based): chr12:109,558,931, C>T on the plus strand (G>A on the coding strand, the complement: MMAB is on the minus strand). VCF-style: chr12-109558931-C-T. GRCh37 (hg19) VCF-style: chr12-109996736-C-T.
Identifiers: ClinVar variation 4292318 (VCV004292318.1).
Genomic context (GRCh38, chr12:109,558,931, plus strand): 5'-TCTAAATCTTATCGGGACAGGCACAGGGCCCACCTTGTTCACCACTGCCTCCCCTGTGCC[C>T]GGCGTGGTGCCTGGCACAGAGCAGATGTTCATAAACACTAAGGGAATGAAGGAGGGGGTG-3'

ClinVar aggregate classification (germline): Uncertain significance (1 of 4 stars; one submission).

Conditions:
Methylmalonic aciduria, cblB type (MACB). Also called: Vitamin B12-responsive methylmalonic acidemia type cblB; METHYLMALONIC ACIDURIA, VITAMIN B12-RESPONSIVE, DUE TO DEFECT IN SYNTHESIS OF ADENOSYLCOBALAMIN, cblB TYPE; Methylmalonic acidemia cblB type. Identifiers: Orphanet 28, Orphanet 79311, MedGen C1855102, MONDO:0009614, OMIM 251110.

gnomAD v4.1: 80 of 152,238 alleles (0.053%); highest among the groups gnomAD compares: East Asian, 0.29%; no homozygotes.

Submission:

3billion
Classification: Uncertain significance for Methylmalonic aciduria, cblB type. Last evaluated: 2025-02-10. Review status: criteria provided, single submitter. Criteria: ACMG Guidelines, 2015. Collection method: clinical testing. Allele origin: germline. Affected: yes.
Comment: The variant is observed at an extremely low frequency in the gnomAD v4.1.0 dataset (total allele frequency: 0.004%). Predicted Consequence/Location: Intron variant In silico tools predict the variant to alter splicing and produce an abnormal transcript [SpliceAI: 0.20 (>=0.2, moderate evidence for spliceogenicity)]. Therefore, this variant is classified as VUS according to the recommendation of ACMG/AMP guideline.